The following is an entry in ClinVar:

ClinVar aggregate classification (germline): Uncertain significance. Review status: criteria provided, multiple submitters, no conflicts (2 of 4 stars). 2 submissions from 2 submitters: Uncertain significance (2). Last evaluated 2025-05-22.

Conditions:
Hereditary spastic paraplegia 4. Also called: Spastic Paraplegia 4; Familial spastic paraplegia autosomal dominant 2; Spastic paraplegia 4, autosomal dominant. Identifiers: Orphanet 100985, MedGen C1866855, MONDO:0008438, OMIM 182601.

Allele frequency attached by ClinVar (database versions not stated): gnomAD exomes below 0.00001; TOPMed below 0.00001.
gnomAD v4.1: 4 of 1,613,190 alleles (0.00025%); highest among the groups gnomAD compares: Admixed American, 0.0033%; no homozygotes.

Submissions (2):

Labcorp Genetics (formerly Invitae), Labcorp
Classification: Uncertain significance for Hereditary spastic paraplegia 4. Last evaluated: 2025-05-22. Review status: criteria provided, single submitter. Criteria: Invitae Variant Classification Sherloc (09022015). Collection method: clinical testing. Allele origin: germline.
Comment: This sequence change replaces asparagine, which is neutral and polar, with aspartic acid, which is acidic and polar, at codon 222 of the SPAST protein (p.Asn222Asp). This variant is present in population databases (no rsID available, gnomAD 0.003%). This variant has not been reported in the literature in individuals affected with SPAST-related conditions. ClinVar contains an entry for this variant (Variation ID: 1327277). Invitae Evidence Modeling of protein sequence and biophysical properties (such as structural, functional, and spatial information, amino acid conservation, physicochemical variation, residue mobility, and thermodynamic stability) has been performed for this missense variant. However, the output from this modeling did not meet the statistical confidence thresholds required to predict the impact of this variant on SPAST protein function. In summary, the available evidence is currently insufficient to determine the role of this variant in disease. Therefore, it has been classified as a Variant of Uncertain Significance.

GeneDx
Classification: Uncertain significance. Last evaluated: 2021-12-01. Review status: criteria provided, single submitter. Criteria: GeneDx Variant Classification Process June 2021. Collection method: clinical testing. Allele origin: germline. Affected: yes.
Comment: Not observed at significant frequency in large population cohorts (Lek et al., 2016); In silico analysis supports that this missense variant does not alter protein structure/function; Has not been previously published as pathogenic or benign to our knowledge

NM_014946.4(SPAST):c.664A>G (p.Asn222Asp)

Gene: SPAST (spastin; plus strand). Cytogenetic location: 2p22.3.
Variant type: single nucleotide variant.
Coding change: c.664A>G on transcript NM_014946.4 (MANE Select); coding-DNA position 664, A replaced by G.
Protein change: p.Asn222Asp; replaces asparagine 222 with aspartic acid.
Molecular consequence: missense variant. On other transcripts: intron variant (3).
Genome position (GRCh38, 1-based): chr2:32,098,873, A>G. VCF-style: chr2-32098873-A-G. GRCh37 (hg19) VCF-style: chr2-32323942-A-G.
Other names: c.661A>G, p.Asn221Asp (NM_001363823.2); c.586+9268A>G (NM_199436.2, NM_001377959.1); c.583+9268A>G (NM_001363875.2); short protein forms N221D, N222D.
Identifiers: ClinVar variation 1327277 (VCV001327277.4), dbSNP rs1354823029, ClinGen allele CA346604000.
Genomic context (GRCh38, chr2:32,098,873, plus strand): 5'-TTGCCATTTTCCAAGTCACAAACGGACGTCTATAATGACAGTACTAACTTGGCATGCCGC[A>G]ATGGACATCTCCAGTCAGGTGGGTTTAGGTTAACTAACATAAAATAATAAAGCTTGCATG-3'
Protein context (NP_055761.2, residues 212-232): YNDSTNLACR[Asn222Asp]GHLQSESGAV